The following is an entry in ClinVar:

ClinVar aggregate classification (germline): Uncertain significance (1 of 4 stars; one submission).

gnomAD v4.1: 7 of 1,614,038 alleles (0.00043%); highest among the groups gnomAD compares: Middle Eastern, 0.016%; no homozygotes.

Submission:

Labcorp Genetics (formerly Invitae), Labcorp
Classification: Uncertain significance. Last evaluated: 2025-02-13. Review status: criteria provided, single submitter. Criteria: Invitae Variant Classification Sherloc (09022015). Collection method: clinical testing. Allele origin: germline.
Comment: This sequence change affects codon 104 of the MAB21L2 mRNA. It is a 'silent' change, meaning that it does not change the encoded amino acid sequence of the MAB21L2 protein. This variant is present in population databases (rs373236286, gnomAD 0.03%). This variant has not been reported in the literature in individuals affected with MAB21L2-related conditions. In summary, the available evidence is currently insufficient to determine the role of this variant in disease. Therefore, it has been classified as a Variant of Uncertain Significance.

NM_006439.5(MAB21L2):c.312T>C (p.Asp104=)

Genes: LRBA (LPS responsive beige-like anchor protein; minus strand), MAB21L2 (mab-21 like 2; plus strand). Cytogenetic location: 4q31.3.
Variant type: single nucleotide variant.
Coding change: c.312T>C on transcript NM_006439.5 (MANE Select); coding-DNA position 312, T replaced by C.
Protein change: p.Asp104=; no amino-acid change (aspartic acid 104 retained).
Molecular consequence: synonymous variant. On other transcripts: intron variant (6).
Genome position (GRCh38, 1-based): chr4:150,583,341, T>C. VCF-style: chr4-150583341-T-C. GRCh37 (hg19) VCF-style: chr4-151504493-T-C.
Other names: c.6330+4707A>G (NM_001367550.1, NM_001199282.3, NM_001364905.1 and 1 more transcripts); c.6363+4707A>G (NM_006726.5, NM_001440430.1).
Identifiers: ClinVar variation 4808341 (VCV004808341.1).